The following is an entry in ClinVar:

ClinVar aggregate classification (germline): Uncertain significance (1 of 4 stars; one submission).

Submission:

GeneDx
Classification: Uncertain significance. Last evaluated: 2023-12-03. Review status: criteria provided, single submitter. Criteria: GeneDx Variant Classification Process June 2021. Collection method: clinical testing. Allele origin: germline. Affected: yes.
Comment: Not observed at significant frequency in large population cohorts (gnomAD); In silico analysis supports that this missense variant has a deleterious effect on protein structure/function; Has not been previously published as pathogenic or benign to our knowledge; Variants in candidate genes are classified as variants of uncertain significance in accordance with ACMG guidelines (PMID: 25741868)

NM_001145073.3(USP27X):c.871C>G (p.Gln291Glu)

Gene: USP27X (ubiquitin specific peptidase 27 X-linked; plus strand). Cytogenetic location: Xp11.23.
Variant type: single nucleotide variant.
Coding change: c.871C>G on transcript NM_001145073.3 (MANE Select); coding-DNA position 871, C replaced by G.
Protein change: p.Gln291Glu; replaces glutamine 291 with glutamic acid.
Molecular consequence: missense variant.
Genome position (GRCh38, 1-based): chrX:49,881,178, C>G. VCF-style: chrX-49881178-C-G. GRCh37 (hg19) VCF-style: chrX-49645781-C-G.
Other names: short protein forms Q291E.
Identifiers: ClinVar variation 3365138 (VCV003365138.1).